The following is an entry in ClinVar:

ClinVar aggregate classification (germline): Conflicting classifications of pathogenicity. Review status: criteria provided, conflicting classifications (1 of 4 stars). 2 submissions from 2 submitters: Uncertain significance (1); Likely benign (1). Last evaluated 2026-02-25.

Conditions:
Intellectual developmental disorder with dysmorphic facies and ptosis (IDDDFP). Identifiers: Orphanet 698090, MedGen C4310617, MONDO:0015022, OMIM 617333.
Inborn genetic diseases. Identifiers: MedGen C0950123, MeSH D030342.

gnomAD v4.1: 80 of 1,614,008 alleles (0.005%); highest among the groups gnomAD compares: African/African-American, 0.0093%; no homozygotes.

Submissions (2):

Ambry Genetics
Classification: Likely benign for Inborn genetic diseases. Last evaluated: 2026-02-25. Review status: criteria provided, single submitter. Criteria: Ambry Variant Classification Scheme 2023. Collection method: clinical testing. Allele origin: germline.

Dasa
Classification: Uncertain significance for Intellectual developmental disorder with dysmorphic facies and ptosis. Last evaluated: 2026-01-27. Review status: criteria provided, single submitter. Criteria: DASA Assertion Criteria. Collection method: clinical testing. Allele origin: germline.
Comment: NM_001003694.2(BRPF1):c.509C>T (p.Ala170Val) is a missense variant that results in the substitution of alanine with valine. This variant is rare in population databases. Computational prediction algorithms are consistent with a benign effect. The currently available literature and clinical evidence are not sufficient to establish a definitive association between this variant and the reported condition. Therefore, this variant is classified as a variant of uncertain significance.

NM_001003694.2(BRPF1):c.509C>T (p.Ala170Val)

Gene: BRPF1 (bromodomain and PHD finger containing 1; plus strand). Cytogenetic location: 3p25.3.
Variant type: single nucleotide variant.
Coding change: c.509C>T on transcript NM_001003694.2 (MANE Select); coding-DNA position 509, C replaced by T.
Protein change: p.Ala170Val; replaces alanine 170 with valine.
Molecular consequence: missense variant. On other transcripts: non-coding transcript variant (1).
Genome position (GRCh38, 1-based): chr3:9,734,649, C>T. VCF-style: chr3-9734649-C-T. GRCh37 (hg19) VCF-style: chr3-9776333-C-T.
Other names: c.509C>T, p.Ala170Val (NM_001319049.2, NM_001319050.2, NM_001410704.1 and 7 more transcripts); short protein forms A170V.
Identifiers: ClinVar variation 4827905 (VCV004827905.3).